The following is an entry in ClinVar:

ClinVar aggregate classification (germline): Benign. Review status: criteria provided, single submitter (1 of 4 stars). 2 submissions from 1 submitter: Benign (2). Last evaluated 2018-01-13.

Conditions:
Susceptibility to mononeuropathy of the median nerve, mild. Also called: CARPAL TUNNEL SYNDROME, SUSCEPTIBILITY TO. Identifiers: MedGen C3150596, MONDO:0013237, OMIM 613353.
Charcot-Marie-Tooth disease type 4C (CMT4C). Also called: CHARCOT-MARIE-TOOTH DISEASE, DEMYELINATING, AUTOSOMAL RECESSIVE, TYPE 4C; CMT 4C; Charcot-Marie-Tooth Neuropathy Type 4C (CMT4C); CHARCOT-MARIE-TOOTH DISEASE, DEMYELINATING, TYPE 4C; SH3TC2-Related Hereditary Motor and Sensory Neuropathy. Identifiers: Orphanet 99949, MedGen C1866636, MONDO:0011113, OMIM 601596.

Allele frequency attached by ClinVar (database versions not stated): 1000 Genomes Project 0.00719; gnomAD 0.00844; TOPMed 0.01076.
gnomAD v4.1: 1,565 of 152,282 alleles (1%); highest among the groups gnomAD compares: Middle Eastern, 2.4%; 10 homozygotes.

Submissions (2):

Illumina Laboratory Services, Illumina
Classification: Benign for Susceptibility to mononeuropathy of the median nerve, mild. Last evaluated: 2018-01-13. Review status: criteria provided, single submitter. Criteria: ICSL Variant Classification Criteria 13 December 2019. Collection method: clinical testing. Allele origin: germline.
Comment: This variant was observed in the ICSL laboratory as part of a predisposition screen in an ostensibly healthy population. It had not been previously curated by ICSL or reported in the Human Gene Mutation Database (HGMD: prior to June 1st, 2018), and was therefore a candidate for classification through an automated scoring system. Utilizing variant allele frequency, disease prevalence and penetrance estimates, and inheritance mode, an automated score was calculated to assess if this variant is too frequent to cause the disease. Based on the score and internal cut-off values, a variant classified as benign is not then subjected to further curation. The score for this variant resulted in a classification of benign for this disease.

Illumina Laboratory Services, Illumina
Classification: Benign for Charcot-Marie-Tooth disease type 4C. Last evaluated: 2018-01-13. Review status: criteria provided, single submitter. Criteria: ICSL Variant Classification Criteria 13 December 2019. Collection method: clinical testing. Allele origin: germline.
Comment: the same text as in the submission from Illumina Laboratory Services, Illumina above.

NM_024577.4(SH3TC2):c.*3694T>A

Gene: SH3TC2 (SH3 domain and tetratricopeptide repeats 2; minus strand). Cytogenetic location: 5q32.
Variant type: single nucleotide variant.
Coding change: c.*3694T>A on transcript NM_024577.4 (MANE Select); 3694 bases downstream of the stop codon, T replaced by A.
Molecular consequence: 3 prime UTR variant.
Genome position (GRCh38, 1-based): chr5:149,001,017, A>T on the plus strand (T>A on the coding strand, the complement: SH3TC2 is on the minus strand). VCF-style: chr5-149001017-A-T. GRCh37 (hg19) VCF-style: chr5-148380580-A-T.
Identifiers: ClinVar variation 351835 (VCV000351835.5), dbSNP rs115774169, ClinGen allele CA10620704.